The following is an entry in ClinVar:

ClinVar aggregate classification (germline): Likely benign. Review status: criteria provided, multiple submitters, no conflicts (2 of 4 stars). 3 submissions from 3 submitters: Likely benign (3). Last evaluated 2025-09-09.

Conditions:
SCN11A-related disorder. Also called: SCN11A-related condition.
Hereditary sensory and autonomic neuropathy type 7. Also called: HSAN VII; Neuropathy, hereditary sensory and autonomic, type VII. Identifiers: Orphanet 391397, MedGen C3809882, MONDO:0014244, OMIM 615548.
Familial episodic pain syndrome with predominantly lower limb involvement. Also called: Episodic pain syndrome, familial, 3. Identifiers: Orphanet 391384, Orphanet 391392, MedGen C3809899, MONDO:0014247, OMIM 615552.

Allele frequency attached by ClinVar (database versions not stated): TOPMed 0.00003; gnomAD exomes 0.00001 and 0.00003; ExAC 0.00002; gnomAD 0.00003.
gnomAD v4.1: 25 of 1,602,444 alleles (0.0016%); highest among the groups gnomAD compares: Middle Eastern, 0.017%; no homozygotes.

Submissions (3):

PreventionGenetics, part of Exact Sciences
Classification: Likely benign for SCN11A-related condition. Last evaluated: 2025-09-09. Review status: criteria provided, single submitter. Criteria: ACMG Guidelines, 2015. Collection method: clinical testing. Allele origin: germline.
Comment: This variant is classified as likely benign based on ACMG/AMP sequence variant interpretation guidelines (Richards et al. 2015 PMID: 25741868, with internal and published modifications).

Labcorp Genetics (formerly Invitae), Labcorp
Classification: Likely benign for Familial episodic pain syndrome with predominantly lower limb involvement; Hereditary sensory and autonomic neuropathy type 7. Last evaluated: 2025-08-17. Review status: criteria provided, single submitter. Criteria: Invitae Variant Classification Sherloc (09022015). Collection method: clinical testing. Allele origin: germline.

Blueprint Genetics
Classification: Likely benign. Last evaluated: 2022-12-23. Review status: criteria provided, single submitter. Criteria: ACMG Guidelines, 2015. Collection method: clinical testing. Allele origin: germline.

NM_001349253.2(SCN11A):c.3471G>A (p.Ala1157=)

Gene: SCN11A (sodium voltage-gated channel alpha subunit 11; minus strand). Cytogenetic location: 3p22.2.
Variant type: single nucleotide variant.
Coding change: c.3471G>A on transcript NM_001349253.2 (MANE Select); coding-DNA position 3471, G replaced by A.
Protein change: p.Ala1157=; no amino-acid change (alanine 1157 retained).
Molecular consequence: synonymous variant.
Genome position (GRCh38, 1-based): chr3:38,872,217, C>T on the plus strand (G>A on the coding strand, the complement: SCN11A is on the minus strand). VCF-style: chr3-38872217-C-T. GRCh37 (hg19) VCF-style: chr3-38913708-C-T.
Other names: c.3471G>A, p.Ala1157= (NM_014139.3).
Identifiers: ClinVar variation 750071 (VCV000750071.11), dbSNP rs771153034, ClinGen allele CA2321776.